The following is an entry in ClinVar:

NM_024426.6(WT1):c.368C>G (p.Ser123Trp)

Genes: WT1 (WT1 transcription factor; minus strand), LOC107982234 (WT1/WT1-AS bi-directional promoter region; plus strand). Cytogenetic location: 11p13.
Variant type: single nucleotide variant.
Coding change: c.368C>G on transcript NM_024426.6 (MANE Select); coding-DNA position 368, C replaced by G.
Protein change: p.Ser123Trp; replaces serine 123 with tryptophan.
Molecular consequence: missense variant. On other transcripts: non-coding transcript variant (2).
Genome position (GRCh38, 1-based): chr11:32,434,993, G>C on the plus strand (C>G on the coding strand, the complement: WT1 is on the minus strand). VCF-style: chr11-32434993-G-C. GRCh37 (hg19) VCF-style: chr11-32456539-G-C.
Other names: c.149C>G, p.Ser50Trp (NM_001429032.1, NM_001429033.1, NM_001429034.1 and 1 more transcripts); c.368C>G, p.Ser123Trp (NM_024424.5, NM_000378.6, NM_001407044.1 and 6 more transcripts); short protein forms S118W, S123W, S50W.
Identifiers: ClinVar variation 4866801 (VCV004866801.1).

ClinVar aggregate classification (germline): Uncertain significance (1 of 4 stars; one submission).

Conditions:
Inborn genetic diseases. Identifiers: MedGen C0950123, MeSH D030342.

Submission:

Ambry Genetics
Classification: Uncertain significance for Inborn genetic diseases. Last evaluated: 2026-04-25. Review status: criteria provided, single submitter. Criteria: Ambry Variant Classification Scheme 2023. Collection method: clinical testing. Allele origin: germline.
Comment: The p.S118W variant (also known as c.353C>G), located in coding exon 1 of the WT1 gene, results from a C to G substitution at nucleotide position 353. The serine at codon 118 is replaced by tryptophan, an amino acid with highly dissimilar properties. This amino acid position is conserved. In addition, the in silico prediction for this alteration is inconclusive. Based on the available evidence, the clinical significance of this variant remains unclear.